The following is an entry in ClinVar:

ClinVar aggregate classification (germline): Uncertain significance (1 of 4 stars; one submission).

Conditions:
Familial thoracic aortic aneurysm and aortic dissection (TAAD). Also called: Thoracic aortic aneurysms and dissections. Identifiers: Orphanet 91387, MedGen C4707243, MONDO:0019625.

Submission:

Color Diagnostics, LLC DBA Color Health
Classification: Uncertain significance for Familial thoracic aortic aneurysm and aortic dissection. Last evaluated: 2019-06-10. Review status: criteria provided, single submitter. Criteria: ACMG Guidelines, 2015. Collection method: clinical testing. Allele origin: germline.
Comment: This variant is located in the intron 3 splice donor region of the SMAD3 gene. Computational splicing tools and conservation analyses predict that this variant may impact RNA splicing. To our knowledge, functional assays have not been performed for this variant nor has this variant been reported in individuals affected with cardiovascular disorders in the literature. This variant has not been identified in the general population by the Genome Aggregation Database (gnomAD). Available evidence is insufficient to determine the role of this variant in disease conclusively. Therefore, this variant is classified as a Variant of Uncertain Significance.

NM_005902.4(SMAD3):c.532+5G>T

Gene: SMAD3 (SMAD family member 3; plus strand). Cytogenetic location: 15q22.33.
Variant type: single nucleotide variant.
Coding change: c.532+5G>T on transcript NM_005902.4 (MANE Select); 5 bases into the intron after coding-DNA position 532, G replaced by T.
Molecular consequence: intron variant.
Genome position (GRCh38, 1-based): chr15:67,165,389, G>T. VCF-style: chr15-67165389-G-T. GRCh37 (hg19) VCF-style: chr15-67457727-G-T.
Other names: c.217+5G>T (NM_001145102.2); c.400+5G>T (NM_001145103.2).
Identifiers: ClinVar variation 923574 (VCV000923574.3), dbSNP rs1962555390, ClinGen allele CA1139664045.
Genomic context (GRCh38, chr15:67,165,389, plus strand): 5'-CATCCCCGAAAACACTAACTTCCCCGCAGGCATCGAGCCCCAGAGCAATATTCCAGGTAG[G>T]CACGTGGGCGGCACAGGCTGGCCTGGGAGGCAGGGGCAGCGGTCAGCCCCGACATCAGTC-3'